The following is an entry in ClinVar:

NM_005002.5(NDUFA9):c.809G>A (p.Arg270Gln)

Gene: NDUFA9 (NADH:ubiquinone oxidoreductase subunit A9; plus strand). Cytogenetic location: 12p13.32.
Variant type: single nucleotide variant.
Coding change: c.809G>A on transcript NM_005002.5 (MANE Select); coding-DNA position 809, G replaced by A.
Protein change: p.Arg270Gln; replaces arginine 270 with glutamine.
Molecular consequence: missense variant.
Genome position (GRCh38, 1-based): chr12:4,682,213, G>A. VCF-style: chr12-4682213-G-A. GRCh37 (hg19) VCF-style: chr12-4791379-G-A.
Other names: short protein forms R270Q.
Identifiers: ClinVar variation 739092 (VCV000739092.11), dbSNP rs200750609, ClinGen allele CA6398247.

ClinVar aggregate classification (germline): Conflicting classifications of pathogenicity. Review status: criteria provided, conflicting classifications (1 of 4 stars). 4 submissions from 4 submitters: Uncertain significance (1); Likely benign (3). Last evaluated 2025-12-02.

Conditions:
NDUFA9-related disorder. Also called: NDUFA9-related condition.

Allele frequency attached by ClinVar (database versions not stated): 1000 Genomes Project 30x 0.00016; 1000 Genomes Project 0.00020; ESP Exome Variant Server 0.00023; gnomAD 0.00035 and 0.00038; TOPMed 0.00040; gnomAD exomes 0.00059; ExAC 0.00062.
gnomAD v4.1: 549 of 1,608,866 alleles (0.034%); highest among the groups gnomAD compares: East Asian, 0.29%; no homozygotes.

Submissions (7):

Labcorp Genetics (formerly Invitae), Labcorp
Classification: Likely benign. Last evaluated: 2025-12-02. Review status: criteria provided, single submitter. Criteria: Invitae Variant Classification Sherloc (09022015). Collection method: clinical testing. Allele origin: germline.

Blueprint Genetics
Classification: Likely benign. Last evaluated: 2024-11-07. Review status: criteria provided, single submitter. Criteria: ACMG Guidelines, 2015. Collection method: clinical testing. Allele origin: germline.

PreventionGenetics, part of Exact Sciences
Classification: Uncertain significance for NDUFA9-related condition. Last evaluated: 2023-07-03. Review status: criteria provided, single submitter. Criteria: ACMG Guidelines, 2015. Collection method: clinical testing. Allele origin: germline.
Comment: The NDUFA9 c.809G>A variant is predicted to result in the amino acid substitution p.Arg270Gln. To our knowledge, this variant has not been reported in the literature. This variant is reported in 0.35% of alleles in individuals of East Asian descent in gnomAD. Although we suspect that this variant may be benign, at this time, the clinical significance of this variant is uncertain due to the absence of conclusive functional and genetic evidence.

Breakthrough Genomics
Classification: Likely benign. Review status: criteria provided, single submitter. Criteria: ACMG Guidelines, 2015. Collection method: not provided. Allele origin: germline. Inheritance: Autosomal recessive inheritance. Affected: yes.

Dr. Peter K. Rogan Lab, Western University
No classification provided (evidence only). Condition: Clear cell carcinoma of kidney. Review status: no classification provided. Collection method: in vitro. Allele origin: not applicable. Functional consequence: retained intron. Not counted in ClinVar's aggregate classification.

Dr. Peter K. Rogan Lab, Western University
No classification provided (evidence only). Condition: Colon adenocarcinoma. Review status: no classification provided. Collection method: in vitro. Allele origin: not applicable. Functional consequence: retained intron. Not counted in ClinVar's aggregate classification.

Dr. Peter K. Rogan Lab, Western University
No classification provided (evidence only). Condition: Cervical cancer. Review status: no classification provided. Collection method: in vitro. Allele origin: not applicable. Functional consequence: retained intron. Not counted in ClinVar's aggregate classification.